The following is an entry in ClinVar:

ClinVar aggregate classification (germline): Uncertain significance (1 of 4 stars; one submission).

Conditions:
Pierson syndrome. Also called: MICROCORIA-CONGENITAL NEPHROTIC SYNDROME. Identifiers: Orphanet 2670, MedGen C1836876, MONDO:0012184, OMIM 609049.
LAMB2-related infantile-onset nephrotic syndrome. Also called: NEPHROTIC SYNDROME, TYPE 5, WITHOUT OCULAR ABNORMALITIES; NEPHROTIC SYNDROME, TYPE 5, WITH OCULAR ABNORMALITIES; Nephrotic Syndrome, type 5. Identifiers: Orphanet 306507, MedGen C3280113, MONDO:0013621, OMIM 614199.

Submission:

Labcorp Genetics (formerly Invitae), Labcorp
Classification: Uncertain significance for LAMB2-related infantile-onset nephrotic syndrome; Pierson syndrome. Last evaluated: 2020-07-21. Review status: criteria provided, single submitter. Criteria: Invitae Variant Classification Sherloc (09022015). Collection method: clinical testing. Allele origin: germline.
Comment: In summary, the available evidence is currently insufficient to determine the role of this variant in disease. Therefore, it has been classified as a Variant of Uncertain Significance. Algorithms developed to predict the effect of missense changes on protein structure and function (SIFT, PolyPhen-2, Align-GVGD) all suggest that this variant is likely to be disruptive, but these predictions have not been confirmed by published functional studies and their clinical significance is uncertain. This variant has not been reported in the literature in individuals with LAMB2-related conditions. This variant is not present in population databases (ExAC no frequency). This sequence change replaces glutamic acid with lysine at codon 1777 of the LAMB2 protein (p.Glu1777Lys). The glutamic acid residue is highly conserved and there is a small physicochemical difference between glutamic acid and lysine.

NM_002292.4(LAMB2):c.5329G>A (p.Glu1777Lys)

Gene: LAMB2 (laminin subunit beta 2; minus strand). Cytogenetic location: 3p21.31.
Variant type: single nucleotide variant.
Coding change: c.5329G>A on transcript NM_002292.4 (MANE Select); coding-DNA position 5329, G replaced by A.
Protein change: p.Glu1777Lys; replaces glutamic acid 1777 with lysine.
Molecular consequence: missense variant.
Genome position (GRCh38, 1-based): chr3:49,121,294, C>T on the plus strand (G>A on the coding strand, the complement: LAMB2 is on the minus strand). VCF-style: chr3-49121294-C-T. GRCh37 (hg19) VCF-style: chr3-49158727-C-T.
Other names: short protein forms E1777K.
Identifiers: ClinVar variation 1007841 (VCV001007841.5), dbSNP rs2045220448, ClinGen allele CA352678397.